The following is an entry in ClinVar:

NM_001369.3(DNAH5):c.1262_1263delinsC (p.Trp421fs)

Gene: DNAH5 (dynein axonemal heavy chain 5; minus strand). Cytogenetic location: 5p15.2.
Variant type: Indel.
Coding change: c.1262_1263delinsC on transcript NM_001369.3 (MANE Select); coding-DNA positions 1262 to 1263, GG replaced by C.
Protein change: p.Trp421fs; shifts the reading frame from tryptophan 421.
Molecular consequence: frameshift variant.
Genome position (GRCh38, 1-based): chr5:13,914,577-13,914,578, CC replaced by G on the plus strand (GG replaced by C on the coding strand, the reverse complement: DNAH5 is on the minus strand). VCF-style: chr5-13914577-CC-G. GRCh37 (hg19) VCF-style: chr5-13914686-CC-G.
Other names: short protein forms W421fs.
Identifiers: ClinVar variation 5015476 (VCV005015476.1).
Genomic context (GRCh38, chr5:13,914,577, plus strand): 5'-TACCTGTTTCAGTTTAATCGCAGATAGTATTTTTTCTTCAACAACATCCTGTGGCTGGTT[CC>G]AGATGGAAGCGGTTCCATTATTGGTAATATAGGCTTTACATGCAGATATAATCTGATTTG-3'

ClinVar aggregate classification (germline): Pathogenic (1 of 4 stars; one submission).

Conditions:
Primary ciliary dyskinesia 3. Identifiers: Orphanet 244, MedGen C1837618, MONDO:0012085, OMIM 608644.

Submission:

Myriad Genetics, Inc.
Classification: Pathogenic for Primary ciliary dyskinesia 3. Last evaluated: 2026-01-24. Review status: criteria provided, single submitter. Criteria: Myriad Autosomal Dominant, Autosomal Recessive and X-Linked Classification Criteria (2023). Collection method: clinical testing. Allele origin: unknown.
Comment: NM_001369.2(DNAH5):c.1262_1263delGGinsC(W421Sfs*18) is expected to be pathogenic in the context of primary ciliary dyskinesia, DNAH5-related. This variant is predicted to lead to an abnormal or absent protein product due to the creation of a premature termination codon in DNAH5, a gene where loss-of-function variants are known to be pathogenic. Please note: this variant was assessed in the context of healthy population screening.